The following continues an entry in ClinVar:

NM_000350.3(ABCA4):c.5882G>A (p.Gly1961Glu)

Gene: ABCA4. ClinVar aggregate classification (germline): Pathogenic. Pathogenic (1).

Submissions 16 to 32 of 79:

Laboratory of Genetics, Children's Clinical University Hospital Latvia
Classification: Pathogenic. Last evaluated: 2025-02-16. Review status: criteria provided, single submitter. Criteria: ACMG Guidelines, 2015. Collection method: clinical testing. Allele origin: germline. Affected: yes. Not counted in ClinVar's aggregate classification.

SingHealth Duke-NUS Institute of Precision Medicine
Classification: Pathogenic for Severe early-childhood-onset retinal dystrophy. Last evaluated: 2025-02-05. Review status: criteria provided, single submitter. Criteria: PRISM ACMG Classification Criteria. Collection method: clinical testing. Allele origin: germline. Affected: yes. Not counted in ClinVar's aggregate classification.
Comment: Variant is located in a mutational hotspot where >50% of variants are pathogenic (PM1). Other variant at this amino acid residue has been classified as pathogenic (PM5, p.Gly1961Arg). REVEL score is 0.76 (PP3). Study has shown the variant affects the function of the protein (PS3_sup, PMID:29847635). Cosegregation with disease has been observed in multiple families in multiple studies (PP1_str, PMID:20696155;16103129;19217903;19074458)

Equipe Genetique des Anomalies du Developpement, Université de Bourgogne
Classification: Pathogenic for Severe early-childhood-onset retinal dystrophy. Last evaluated: 2025-01-17. Review status: criteria provided, single submitter. Criteria: ACMG Guidelines, 2015. Collection method: clinical testing. Allele origin: germline. Affected: yes. Not counted in ClinVar's aggregate classification.
Comment: The c.5882G>A variant is present 44 times in a homozygous state in gnomAD (v4.1.0). In silico prediction scores are in favour of a damaging effect. The impacted amino acid is conserved and is located in a functional domain. This variant has been reported as pathogenic and likely pathogenic numerous times in ClinVar (VCV000007888.103). This variant is also described as pathogenic in literature (PMID 30093795, 34874912). Pathogenic biallelic variants in the ABCA4 gene are associated with numerous syndromes, including Stargardt disease-1, (OMIM #248200) of autosomal recessive inheritance. According to the available evidence, this variant is considered to be pathogenic.

Blueprint Genetics
Classification: Pathogenic for ABCA4-related disorders. Last evaluated: 2024-11-25. Review status: criteria provided, single submitter. Criteria: ACMG Guidelines, 2015. Collection method: clinical testing. Allele origin: germline. Affected: yes. Observed: 5 variant alleles. Not counted in ClinVar's aggregate classification.

Lab De Baere, Eye and Developmental Genetics Lab, Ghent University
Classification: Likely pathogenic for Cone dystrophy. Last evaluated: 2024-10-01. Review status: criteria provided, single submitter. Criteria: ACMG Guidelines, 2015. Collection method: research. Allele origin: inherited. Affected: yes. Observed: 2 variant alleles. Not counted in ClinVar's aggregate classification.
Comment: ACMG/AMP guidelines: PS4, PP4_PP, PM5, PS3, PP1, PM3_PS

Lab De Baere, Eye and Developmental Genetics Lab, Ghent University
Classification: Pathogenic for Syndromic retinitis pigmentosa. Last evaluated: 2024-10-01. Review status: criteria provided, single submitter. Criteria: ACMG Guidelines, 2015. Collection method: research. Allele origin: inherited. Affected: yes. Observed: 1 variant allele. Not counted in ClinVar's aggregate classification.
Comment: the same text as in the submission from Lab De Baere, Eye and Developmental Genetics Lab, Ghent University above.

Lab De Baere, Eye and Developmental Genetics Lab, Ghent University
Classification: Likely pathogenic for Stargardt disease. Last evaluated: 2024-10-01. Review status: criteria provided, single submitter. Criteria: ACMG Guidelines, 2015. Collection method: research. Allele origin: inherited. Affected: yes. Observed: 4 variant alleles. Not counted in ClinVar's aggregate classification.
Comment: the same text as in the submission from Lab De Baere, Eye and Developmental Genetics Lab, Ghent University above.

Institute of Human Genetics, University of Leipzig Medical Center
Classification: Pathogenic for Retinitis pigmentosa 19. Last evaluated: 2024-06-19. Review status: criteria provided, single submitter. Criteria: ACMG Guidelines, 2015. Collection method: clinical testing. Allele origin: unknown. Inheritance: Autosomal recessive inheritance. Affected: yes. Not counted in ClinVar's aggregate classification.
Comment: Criteria applied: PM3_VSTR,PM5_STR,PP1_STR,PS3_MOD,PP3,PP4

Fulgent Genetics
Classification: Pathogenic for Age related macular degeneration 2; Severe early-childhood-onset retinal dystrophy; Retinitis pigmentosa 19; Cone-rod dystrophy 3. Last evaluated: 2024-03-26. Review status: criteria provided, single submitter. Criteria: ACMG Guidelines, 2015. Collection method: clinical testing. Allele origin: germline. Not counted in ClinVar's aggregate classification.

Genomic Medicine Center of Excellence, King Faisal Specialist Hospital and Research Centre
Classification: Likely pathogenic for Severe early-childhood-onset retinal dystrophy. Last evaluated: 2024-03-25. Review status: criteria provided, single submitter. Criteria: ACMG Guidelines, 2015. Collection method: clinical testing. Allele origin: germline. Not counted in ClinVar's aggregate classification.

Institute of Human Genetics Munich, TUM University Hospital
Classification: Pathogenic for Cone-rod dystrophy 3. Last evaluated: 2024-03-04. Review status: criteria provided, single submitter. Criteria: Classification criteria August 2017. Collection method: clinical testing. Allele origin: germline. Inheritance: Autosomal recessive inheritance. Affected: yes. Observed: 1 variant allele. Not counted in ClinVar's aggregate classification.

Dept Of Ophthalmology, Nagoya University
Classification: Pathogenic for Retinal dystrophy. Last evaluated: 2023-10-01. Review status: criteria provided, single submitter. Criteria: Submitter's publication. Collection method: research. Allele origin: germline. Affected: yes. Not counted in ClinVar's aggregate classification.

Intergen Genetics and Rare Diseases Diagnosis Center
Classification: Pathogenic for ABCA4-related retinopathy. Last evaluated: 2023-08-29. Review status: criteria provided, single submitter. Criteria: ACMG Guidelines, 2015. Collection method: clinical testing. Allele origin: unknown. Inheritance: Autosomal recessive inheritance. Affected: no. Observed: 1 heterozygote. Not counted in ClinVar's aggregate classification.

Neuberg Centre For Genomic Medicine, NCGM
Classification: Pathogenic for Retinitis pigmentosa 19. Last evaluated: 2023-05-20. Review status: criteria provided, single submitter. Criteria: ACMG Guidelines, 2015. Collection method: clinical testing. Allele origin: germline. Inheritance: Autosomal recessive inheritance. Affected: yes. Not counted in ClinVar's aggregate classification.
Comment: The observed missense c.5882G>A(p.Gly1961Glu) variant in ABCA4 gene has been observed in homozygous, heterozygous and compound heterozygous states in multiple individuals affected with ABCA4-related retinal disorders (Birtel J, et al., 2018; Stone EM, et al., 2017; Burke TR, et al., 2012). This variant has been reported to segregate with disease in affected individuals (Cideciyan AV, et al., 2009). Functional studies indicate that the p.Gly1961Glu variant results in reduced ATPase activity and ATP binding, therefore, affecting ABCA4 protein function (Garces F, et al., 2018; Burke TR, et al., 2012). The p.Gly1961Glu variant has been reported with allele frequency of 0.5% in gnomAD Exomes. This variant has been submitted to the ClinVar database as Benign / Uncertain significance / Likely Pathogenic / Risk factor / Pathogenic (multiple submissions). The amino acid change p.Gly1961Glu in ABCA4 is predicted as conserved by GERP++ and PhyloP across 100 vertebrates. The amino acid Gly at position 1961 is changed to a Glu changing protein sequence and it might alter its composition and physico-chemical properties. Multiple lines of computational evidences (Polyphen - Probably damaging , SIFT - Damaging and MutationTaster - Disease causing) predict a damaging effect on protein structure and function for this variant. This variant, being one of the most common ABCA4 variant, has been highly associated with Stargardt disease (Lewis RA, et al., 1999) and has been shown to confer a a 3.2-fold increased risk for age-related macular degeneration (Zhang R, et al., 2015). This variant appears to be associated with milder phenotype of retinal disorders, suggesting that this variant shows low penetrance (Zernant J, et al., 2017). For these reasons, this variant has been classified as Pathogenic (risk factor - low penetrance).

Centre of Medical Genetics, University Hospital Muenster
Classification: Pathogenic. Last evaluated: 2023-03-09. Review status: criteria provided, single submitter. Criteria: ACMG Guidelines, 2015. Collection method: clinical testing. Allele origin: unknown. Affected: yes. Observed: 1 variant allele, 1 heterozygote. Not counted in ClinVar's aggregate classification.
Comment: ACMG categories: PS3,PM1,PM3,PP3,PP4

Institute of Human Genetics, Univ. Regensburg, Univ. Regensburg
Classification: Pathogenic for Retinal dystrophy. Last evaluated: 2023-01-01. Review status: criteria provided, single submitter. Criteria: ACMG Guidelines, 2015. Collection method: clinical testing. Allele origin: germline. Affected: yes. Not counted in ClinVar's aggregate classification.

Variantyx, Inc.
Classification: Pathogenic for ABCA4-related disorders. Last evaluated: 2022-11-04. Review status: criteria provided, single submitter. Criteria: Variantyx Assertion Criteria 2022. Collection method: clinical testing. Allele origin: germline. Inheritance: Autosomal recessive inheritance. Not counted in ClinVar's aggregate classification.
Comment: This is a nonsynonymous variant in the ABCA4 gene (OMIM 601691). Biallelic pathogenic variants in this gene have been associated with autosomal recessive ABCA4-related disorders. This variant has been reported in the homozygous or compound heterozygous state in many individuals with mild or late-onset ABCA4-related disease (PMID: 30060493, 29555955, 28559085, 19074458, 28181551) (PM3_Strong). Additionally, this variant has been shown to confer a moderate risk (~3-fold) for age-related macular degeneration (PMID: 25921964). Functional studies have shown that this variant alters ABCA4 protein function (PMID: 11017087, 29847635) (PS3). An alternate amino acid change at this position (p.Gly1961Arg) has been previously reported as pathogenic in affected individuals (PMID: 23755871, 19074458, 26780318, 28118664) (PM5). Multiple computational algorithms predict a deleterious effect for this amino acid substitution (PP3). This variant has a 1.378% maximum allele frequency in non-founder control populations. Based on current evidence, this variant is classified as pathogenic for autosomal recessive ABCA4-related disorders.